The following is an entry in ClinVar:

NM_000069.3(CACNA1S):c.4731C>A (p.Asp1577Glu)

Gene: CACNA1S (calcium voltage-gated channel subunit alpha1 S; minus strand). Cytogenetic location: 1q32.1.
Variant type: single nucleotide variant.
Coding change: c.4731C>A on transcript NM_000069.3 (MANE Select); coding-DNA position 4731, C replaced by A.
Protein change: p.Asp1577Glu; replaces aspartic acid 1577 with glutamic acid.
Molecular consequence: missense variant.
Genome position (GRCh38, 1-based): chr1:201,044,394, G>T on the plus strand (C>A on the coding strand, the complement: CACNA1S is on the minus strand). VCF-style: chr1-201044394-G-T. GRCh37 (hg19) VCF-style: chr1-201013522-G-T.
Other names: short protein forms D1577E.
Identifiers: ClinVar variation 1025854 (VCV001025854.7), dbSNP rs202120583, ClinGen allele CA344139589.
Genomic context (GRCh38, chr1:201,044,394, plus strand): 5'-TATTCCCTCCTCCATCGCAGCCTCCACCATGGCTCTCTCCAGCTCCTCCTCAGCAGCCAG[G>T]TCTCCTGAGACCGTGCGACAGATCTCGGGGGCTGCCTCTTCCTCAATGGTCCGCAGCCCT-3'
Protein context (NP_000060.2, residues 1567-1587): APEICRTVSG[Asp1577Glu]LAAEEELERA

ClinVar aggregate classification (germline): Uncertain significance (1 of 4 stars; one submission).

Conditions:
Hypokalemic periodic paralysis, type 1. Also called: HypoPP; Hypokalemic Periodic Paralysis Type 1 (AD). Identifiers: Orphanet 681, MedGen C3714580, MONDO:0042979, OMIM 170400.
Malignant hyperthermia, susceptibility to, 5 (MHS5). Also called: CACNA1S-Related Malignant Hyperthermia Susceptibility. Identifiers: Orphanet 423, MedGen C1866077, MONDO:0011163, OMIM 601887.

Allele frequency attached by ClinVar (database versions not stated): TOPMed 0.00001.

Submission:

Labcorp Genetics (formerly Invitae), Labcorp
Classification: Uncertain significance for Hypokalemic periodic paralysis, type 1; Malignant hyperthermia, susceptibility to, 5. Last evaluated: 2020-08-10. Review status: criteria provided, single submitter. Criteria: Invitae Variant Classification Sherloc (09022015). Collection method: clinical testing. Allele origin: germline.
Comment: In summary, the available evidence is currently insufficient to determine the role of this variant in disease. Therefore, it has been classified as a Variant of Uncertain Significance. Advanced modeling of protein sequence and biophysical properties (such as structural, functional, and spatial information, amino acid conservation, physicochemical variation, residue mobility, and thermodynamic stability) performed at Invitae indicates that this missense variant is not expected to disrupt CACNA1S protein function. This variant has not been reported in the literature in individuals with CACNA1S-related conditions. This variant is not present in population databases (ExAC no frequency). This sequence change replaces aspartic acid with glutamic acid at codon 1577 of the CACNA1S protein (p.Asp1577Glu). The aspartic acid residue is moderately conserved and there is a small physicochemical difference between aspartic acid and glutamic acid.